The following is an entry in ClinVar:

NM_001114134.2(EPB42):c.1422T>A (p.Pro474=)

Gene: EPB42 (erythrocyte membrane protein band 4.2; minus strand). Cytogenetic location: 15q15.2.
Variant type: single nucleotide variant.
Coding change: c.1422T>A on transcript NM_001114134.2 (MANE Select); coding-DNA position 1422, T replaced by A.
Protein change: p.Pro474=; no amino-acid change (proline 474 retained).
Molecular consequence: synonymous variant.
Genome position (GRCh38, 1-based): chr15:43,206,526, A>T on the plus strand (T>A on the coding strand, the complement: EPB42 is on the minus strand). VCF-style: chr15-43206526-A-T. GRCh37 (hg19) VCF-style: chr15-43498724-A-T.
Other names: p.Pro504=; c.1512T>A, p.Pro504= (NM_000119.3).
Identifiers: ClinVar variation 4683969 (VCV004683969.1).

ClinVar aggregate classification (germline): Likely benign (1 of 4 stars; one submission).

gnomAD v4.1: 2 of 1,614,156 alleles (0.00012%); highest among the groups gnomAD compares: Non-Finnish European, 0.00017%; no homozygotes.

Submission:

Mayo Clinic Laboratories, Mayo Clinic
Classification: Likely benign. Last evaluated: 2025-01-16. Review status: criteria provided, single submitter. Criteria: ACMG Guidelines, 2015. Collection method: clinical testing. Allele origin: germline. Observed: 1 variant allele.
Comment: BP4, BP7, PM2_supporting